The following is an entry in ClinVar:

ClinVar aggregate classification (germline): Uncertain significance. Review status: criteria provided, multiple submitters, no conflicts (2 of 4 stars). 2 submissions from 2 submitters: Uncertain significance (2). Last evaluated 2023-10-14.

Conditions:
Retinoblastoma (RB1). Also called: RETINOBLASTOMA, SOMATIC. Identifiers: Orphanet 790, MedGen C0035335, MeSH D012175, MONDO:0008380, OMIM 180200, HP:0009919. Disease mechanism: loss of function. Inheritance: Both sporadic and heritable forms are tested..

Allele frequency attached by ClinVar (database versions not stated): gnomAD exomes below 0.00001.
gnomAD v4.1: 3 of 1,482,440 alleles (0.0002%); highest among the groups gnomAD compares: Non-Finnish European, 0.00027%; no homozygotes.

Submissions (2):

Labcorp Genetics (formerly Invitae), Labcorp
Classification: Uncertain significance for Retinoblastoma. Last evaluated: 2023-10-14. Review status: criteria provided, single submitter. Criteria: Invitae Variant Classification Sherloc (09022015). Collection method: clinical testing. Allele origin: germline.
Comment: This sequence change replaces glutamine, which is neutral and polar, with glutamic acid, which is acidic and polar, at codon 35 of the RB1 protein (p.Gln35Glu). The frequency data for this variant in the population databases is considered unreliable, as metrics indicate poor data quality at this position in the gnomAD database. This variant has not been reported in the literature in individuals affected with RB1-related conditions. Advanced modeling of protein sequence and biophysical properties (such as structural, functional, and spatial information, amino acid conservation, physicochemical variation, residue mobility, and thermodynamic stability) has been performed at Invitae for this missense variant, however the output from this modeling did not meet the statistical confidence thresholds required to predict the impact of this variant on RB1 protein function. In summary, the available evidence is currently insufficient to determine the role of this variant in disease. Therefore, it has been classified as a Variant of Uncertain Significance.

All of Us Research Program, National Institutes of Health
Classification: Uncertain significance for Retinoblastoma. Last evaluated: 2023-08-15. Review status: criteria provided, single submitter. Criteria: ACMG Guidelines, 2015. Collection method: clinical testing. Allele origin: germline. Inheritance: Autosomal dominant inheritance. Observed: 2 variant alleles, 2 heterozygotes.
Comment: This missense variant replaces glutamine with glutamic acid at codon 35 of the RB1 protein. Computational prediction suggests that this variant may not impact protein structure and function (internally defined REVEL score threshold <= 0.5, PMID: 27666373). To our knowledge, functional studies have not been reported for this variant. This variant has not been reported in individuals affected with RB1-related disorders in the literature. This variant has not been identified in the general population by the Genome Aggregation Database (gnomAD). The available evidence is insufficient to determine the role of this variant in disease conclusively. Therefore, this variant is classified as a Variant of Uncertain Significance.

This study involves interpretation of variants in research participants for the purpose of population health screening. Participant phenotype was not available at the time of variant classification. Additional details can be found in publication PMID: 35346344, PMCID: PMC8962531

NM_000321.3(RB1):c.103C>G (p.Gln35Glu)

Gene: RB1 (RB transcriptional corepressor 1; plus strand). Cytogenetic location: 13q14.2.
Variant type: single nucleotide variant.
Coding change: c.103C>G on transcript NM_000321.3 (MANE Select); coding-DNA position 103, C replaced by G.
Protein change: p.Gln35Glu; replaces glutamine 35 with glutamic acid.
Molecular consequence: missense variant.
Genome position (GRCh38, 1-based): chr13:48,304,015, C>G. VCF-style: chr13-48304015-C-G. GRCh37 (hg19) VCF-style: chr13-48878151-C-G.
Other names: c.103C>G, p.Gln35Glu (NM_001407165.1, NM_001407166.1, NM_001407167.1); short protein forms Q35E.
Identifiers: ClinVar variation 2958259 (VCV002958259.4), dbSNP rs587778869, ClinGen allele CA388250333.
Genomic context (GRCh38, chr13:48,304,015, plus strand): 5'-GCTGCCGCCGCGGAACCCCCGGCACCGCCGCCGCCGCCCCCTCCTGAGGAGGACCCAGAG[C>G]AGGACAGCGGCCCGGAGGACCTGCCTCTCGTCAGGTGAGCGAGCAGAGCCGCCGTCGCCT-3'
Protein context (NP_000312.2, residues 25-45): PPPPPEEDPE[Gln35Glu]DSGPEDLPLV